The following is an entry in ClinVar:

NM_001099271.2(POC5):c.1221G>T (p.Pro407=)

Gene: POC5 (POC5 centriolar protein; minus strand). Cytogenetic location: 5q13.3.
Variant type: single nucleotide variant.
Coding change: c.1221G>T on transcript NM_001099271.2 (MANE Select); coding-DNA position 1221, G replaced by T.
Protein change: p.Pro407=; no amino-acid change (proline 407 retained).
Molecular consequence: synonymous variant.
Genome position (GRCh38, 1-based): chr5:75,685,393, C>A on the plus strand (G>T on the coding strand, the complement: POC5 is on the minus strand). VCF-style: chr5-75685393-C-A. GRCh37 (hg19) VCF-style: chr5-74981218-C-A.
Other names: c.1146G>T, p.Pro382= (NM_152408.3).
Identifiers: ClinVar variation 1960805 (VCV001960805.5), dbSNP rs374307702, ClinGen allele CA444681319.

ClinVar aggregate classification (germline): Uncertain significance (1 of 4 stars; one submission).

Submission:

Labcorp Genetics (formerly Invitae), Labcorp
Classification: Uncertain significance. Last evaluated: 2022-09-27. Review status: criteria provided, single submitter. Criteria: Invitae Variant Classification Sherloc (09022015). Collection method: clinical testing. Allele origin: germline.
Comment: In summary, the available evidence is currently insufficient to determine the role of this variant in disease. Therefore, it has been classified as a Variant of Uncertain Significance. Algorithms developed to predict the effect of sequence changes on RNA splicing suggest that this variant may create or strengthen a splice site. This variant has not been reported in the literature in individuals affected with POC5-related conditions. This variant is not present in population databases (gnomAD no frequency). This sequence change affects codon 407 of the POC5 mRNA. It is a 'silent' change, meaning that it does not change the encoded amino acid sequence of the POC5 protein.